The following is an entry in ClinVar:

ClinVar aggregate classification (germline): Likely benign. Review status: criteria provided, multiple submitters, no conflicts (2 of 4 stars). 2 submissions from 2 submitters: Likely benign (2). Last evaluated 2025-10-01.

Allele frequency attached by ClinVar (database versions not stated): gnomAD exomes below 0.00001.

Submissions (2):

CeGaT Center for Human Genetics Tuebingen
Classification: Likely benign. Last evaluated: 2025-10-01. Review status: criteria provided, single submitter. Criteria: CeGaT Center For Human Genetics Tuebingen Variant Classification Criteria Version 2. Collection method: clinical testing. Allele origin: germline. Affected: yes. Observed: 1 variant allele.
Comment: TREX1: BP4, BP7

Labcorp Genetics (formerly Invitae), Labcorp
Classification: Likely benign. Last evaluated: 2018-01-12. Review status: criteria provided, single submitter. Criteria: Invitae Variant Classification Sherloc (09022015). Collection method: clinical testing. Allele origin: germline.

NM_033629.6(TREX1):c.933A>G (p.Thr311=)

Genes: ATRIP (ATR interacting protein; plus strand), ATRIP-TREX1 (ATRIP-TREX1 readthrough; plus strand), TREX1 (three prime repair exonuclease 1; plus strand). Cytogenetic location: 3p21.31.
Variant type: single nucleotide variant.
Coding change: c.933A>G on transcript NM_033629.6 (MANE Select); coding-DNA position 933, A replaced by G.
Protein change: p.Thr311=; no amino-acid change (threonine 311 retained).
Molecular consequence: synonymous variant. On other transcripts: non-coding transcript variant (1), 3 prime UTR variant (4).
Genome position (GRCh38, 1-based): chr3:48,467,588, A>G. VCF-style: chr3-48467588-A-G. GRCh37 (hg19) VCF-style: chr3-48508987-A-G.
Other names: c.903A>G, p.Thr301= (NM_007248.5); c.*2034A>G (NM_001271022.2, NM_001271023.2, NM_032166.4 and 1 more transcripts).
Identifiers: ClinVar variation 734308 (VCV000734308.9), dbSNP rs1575294704, ClinGen allele CA433615574.